The following is an entry in ClinVar:

ClinVar aggregate classification (germline): Pathogenic (1 of 4 stars; one submission).

Conditions:
Inborn genetic diseases. Identifiers: MedGen C0950123, MeSH D030342.

Submission:

Ambry Genetics
Classification: Pathogenic for Inborn genetic diseases. Last evaluated: 2026-08-10. Review status: criteria provided, single submitter. Criteria: Ambry Variant Classification Scheme 2023. Collection method: clinical testing. Allele origin: germline.
Comment: The c.1439delA (p.K480Rfs*18) alteration, located in exon 16 (coding exon 15) of the EFTUD2 gene, consists of a deletion of one nucleotide at position 1439, causing a translational frameshift with a predicted alternate stop codon after 18 amino acids. This variant is expected to result in loss of function by premature protein truncation or nonsense-mediated mRNA decay. This variant was not reported in population-based cohorts in the Genome Aggregation Database (gnomAD). Based on the available evidence, this alteration is classified as pathogenic.

NM_004247.4(EFTUD2):c.1439del (p.Lys480fs)

Gene: EFTUD2 (elongation factor Tu GTP binding domain containing 2; minus strand). Cytogenetic location: 17q21.31.
Variant type: Deletion.
Coding change: c.1439del on transcript NM_004247.4 (MANE Select); coding-DNA position 1439, one base deleted (A; older notation c.1439delA).
Protein change: p.Lys480fs; shifts the reading frame from lysine 480.
Molecular consequence: frameshift variant.
Genome position (GRCh38, 1-based): chr17:44,862,881, T deleted on the plus strand (A on the coding strand, the reverse complement: EFTUD2 is on the minus strand); the first of 2 consecutive T bases (chr17:44,862,881-44,862,882); deleting either gives the same sequence. VCF-style (leftmost placement, unchanged base first): chr17-44862880-CT-C. GRCh37 (hg19) VCF-style: chr17-42940248-CT-C.
Other names: c.1334del, p.Lys445fs (NM_001142605.2); c.1439del, p.Lys480fs (NM_001258353.2); c.1409del, p.Lys470fs (NM_001258354.2); short protein forms K445fs, K470fs, K480fs.
Identifiers: ClinVar variation 5035733 (VCV005035733.1).
Genomic context (GRCh38, chr17:44,862,880, plus strand): 5'-GGTGCCACTCAGCACCCGGCCAAAGGCGTGAAACTGGACTCCATCATCTGTGCTGTACAT[CT>C]TAGTAGTGTGGCACATCAGGGGGCCCTGGAAGAGGGGACAGGGTGCAGCTTCAACCACAT-3'